The following is an entry in ClinVar:

NM_172364.5(CACNA2D4):c.197C>T (p.Ala66Val)

Gene: CACNA2D4 (calcium voltage-gated channel auxiliary subunit alpha2delta 4; minus strand). Cytogenetic location: 12p13.33.
Variant type: single nucleotide variant.
Coding change: c.197C>T on transcript NM_172364.5 (MANE Select); coding-DNA position 197, C replaced by T.
Protein change: p.Ala66Val; replaces alanine 66 with valine.
Molecular consequence: missense variant.
Genome position (GRCh38, 1-based): chr12:1,918,277, G>A on the plus strand (C>T on the coding strand, the complement: CACNA2D4 is on the minus strand). VCF-style: chr12-1918277-G-A. GRCh37 (hg19) VCF-style: chr12-2027443-G-A.
Other names: short protein forms A66V.
Identifiers: ClinVar variation 943443 (VCV000943443.12), dbSNP rs368680577, ClinGen allele CA6387655.

ClinVar aggregate classification (germline): Uncertain significance. Review status: criteria provided, multiple submitters, no conflicts (2 of 4 stars). 3 submissions from 3 submitters: Uncertain significance (3). Last evaluated 2025-09-25.

Conditions:
Inborn genetic diseases. Identifiers: MedGen C0950123, MeSH D030342.

Allele frequency attached by ClinVar (database versions not stated): gnomAD 0.00010 and 0.00011; TOPMed 0.00010.
gnomAD v4.1: 102 of 1,605,326 alleles (0.0064%); highest among the groups gnomAD compares: Non-Finnish European, 0.0077%; no homozygotes.

Submissions (3):

Labcorp Genetics (formerly Invitae), Labcorp
Classification: Uncertain significance. Last evaluated: 2025-09-25. Review status: criteria provided, single submitter. Criteria: Invitae Variant Classification Sherloc (09022015). Collection method: clinical testing. Allele origin: germline.
Comment: This sequence change replaces alanine, which is neutral and non-polar, with valine, which is neutral and non-polar, at codon 66 of the CACNA2D4 protein (p.Ala66Val). This variant is present in population databases (rs368680577, gnomAD 0.02%). This variant has not been reported in the literature in individuals affected with CACNA2D4-related conditions. ClinVar contains an entry for this variant (Variation ID: 943443). An algorithm developed to predict the effect of missense changes on protein structure and function outputs the following: PolyPhen-2: "Benign". The valine amino acid residue is found in multiple mammalian species, which suggests that this missense change does not adversely affect protein function. In summary, the available evidence is currently insufficient to determine the role of this variant in disease. Therefore, it has been classified as a Variant of Uncertain Significance.

Ambry Genetics
Classification: Uncertain significance for Inborn genetic diseases. Last evaluated: 2025-08-11. Review status: criteria provided, single submitter. Criteria: Ambry Variant Classification Scheme 2023. Collection method: clinical testing. Allele origin: germline.

Blueprint Genetics
Classification: Uncertain significance. Last evaluated: 2024-10-03. Review status: criteria provided, single submitter. Criteria: ACMG Guidelines, 2015. Collection method: clinical testing. Allele origin: germline.